The following is an entry in ClinVar:

ClinVar aggregate classification (germline): Pathogenic (1 of 4 stars; one submission).

Conditions:
Alstrom syndrome (ALMS). Identifiers: Orphanet 64, MedGen C0268425, MONDO:0008763, OMIM 203800.

Submission:

Labcorp Genetics (formerly Invitae), Labcorp
Classification: Pathogenic for Alstrom syndrome. Last evaluated: 2025-08-29. Review status: criteria provided, single submitter. Criteria: Invitae Variant Classification Sherloc (09022015). Collection method: clinical testing. Allele origin: germline.
Comment: This sequence change creates a premature translational stop signal (p.Lys2088Leufs*23) in the ALMS1 gene. It is expected to result in an absent or disrupted protein product. Loss-of-function variants in ALMS1 are known to be pathogenic (PMID: 17594715). This variant is not present in population databases (gnomAD no frequency). This variant has not been reported in the literature in individuals affected with ALMS1-related conditions. For these reasons, this variant has been classified as Pathogenic.

Literature cited by the submitters: PubMed 17594715.

NM_001378454.1(ALMS1):c.6258_6273del (p.Lys2087fs)

Gene: ALMS1 (ALMS1 centrosome and basal body associated protein; plus strand). Cytogenetic location: 2p13.1.
Variant type: Deletion.
Coding change: c.6258_6273del on transcript NM_001378454.1 (MANE Select); coding-DNA positions 6258 to 6273, 16 bases deleted (AAAACCAGTATCTCTC).
Protein change: p.Lys2087fs; shifts the reading frame from lysine 2087.
Molecular consequence: frameshift variant.
Genome position (GRCh38, 1-based): chr2:73,452,785-73,452,800, AAAACCAGTATCTCTC deleted. VCF-style (leftmost placement, unchanged base first): chr2-73452784-GAAAACCAGTATCTCTC-G. GRCh37 (hg19) VCF-style: chr2-73679911-GAAAACCAGTATCTCTC-G.
Other names: c.6261_6276del, p.Lys2088fs (NM_015120.4); short protein forms K2087fs, K2088fs.
Identifiers: ClinVar variation 4726200 (VCV004726200.1).